The following is an entry in ClinVar:

NM_015466.4(PTPN23):c.4178+6G>C

Gene: PTPN23 (protein tyrosine phosphatase non-receptor type 23; plus strand). Cytogenetic location: 3p21.31.
Variant type: single nucleotide variant.
Coding change: c.4178+6G>C on transcript NM_015466.4 (MANE Select); 6 bases into the intron after coding-DNA position 4178, G replaced by C.
Molecular consequence: intron variant.
Genome position (GRCh38, 1-based): chr3:47,412,204, G>C. VCF-style: chr3-47412204-G-C. GRCh37 (hg19) VCF-style: chr3-47453694-G-C.
Other names: c.3800+6G>C (NM_001304482.2).
Identifiers: ClinVar variation 1353939 (VCV001353939.5), dbSNP rs751549561, ClinGen allele CA2366492.

ClinVar aggregate classification (germline): Uncertain significance. Review status: criteria provided, multiple submitters, no conflicts (2 of 4 stars). 2 submissions from 2 submitters: Uncertain significance (2). Last evaluated 2022-04-14.

Allele frequency attached by ClinVar (database versions not stated): gnomAD exomes below 0.00001; ExAC 0.00001; TOPMed 0.00001; gnomAD 0.00002 and 0.00003.

Submissions (2):

GeneDx
Classification: Uncertain significance. Last evaluated: 2022-04-14. Review status: criteria provided, single submitter. Criteria: GeneDx Variant Classification Process June 2021. Collection method: clinical testing. Allele origin: germline. Affected: yes.
Comment: Not observed at significant frequency in large population cohorts (gnomAD); In silico analysis supports that this variant does not alter splicing; Has not been previously published as pathogenic or benign to our knowledge

Labcorp Genetics (formerly Invitae), Labcorp
Classification: Uncertain significance. Last evaluated: 2021-03-31. Review status: criteria provided, single submitter. Criteria: Invitae Variant Classification Sherloc (09022015). Collection method: clinical testing. Allele origin: germline.
Comment: Nucleotide substitutions within the consensus splice site are a relatively common cause of aberrant splicing (PMID: 17576681, 9536098). Algorithms developed to predict the effect of sequence changes on RNA splicing suggest that this variant is not likely to affect RNA splicing, but this prediction has not been confirmed by published transcriptional studies. In summary, the available evidence is currently insufficient to determine the role of this variant in disease. Therefore, it has been classified as a Variant of Uncertain Significance. This variant has not been reported in the literature in individuals with PTPN23-related conditions. This variant is present in population databases (rs751549561, ExAC 0.01%). This sequence change falls in intron 22 of the PTPN23 gene. It does not directly change the encoded amino acid sequence of the PTPN23 protein. It affects a nucleotide within the consensus splice site of the intron.

Literature cited by the submitters: PubMed 17576681 (cited by Labcorp Genetics (formerly Invitae), Labcorp); PubMed 9536098 (cited by Labcorp Genetics (formerly Invitae), Labcorp).